The following is an entry in ClinVar:

NM_000038.6(APC):c.6525A>G (p.Thr2175=)

Gene: APC (APC regulator of Wnt signaling pathway; plus strand). Cytogenetic location: 5q22.2.
Variant type: single nucleotide variant.
Coding change: c.6525A>G on transcript NM_000038.6 (MANE Select); coding-DNA position 6525, A replaced by G.
Protein change: p.Thr2175=; no amino-acid change (threonine 2175 retained).
Molecular consequence: synonymous variant.
Genome position (GRCh38, 1-based): chr5:112,842,119, A>G. VCF-style: chr5-112842119-A-G. GRCh37 (hg19) VCF-style: chr5-112177816-A-G.
Other names: p.T2175T:ACA>ACG; c.6525A>G, p.Thr2175= (NM_001127510.3, NM_001354895.2); c.6471A>G, p.Thr2157= (NM_001127511.3); c.6579A>G, p.Thr2193= (NM_001354896.2); c.6555A>G, p.Thr2185= (NM_001354897.2); c.6450A>G, p.Thr2150= (NM_001354898.2); c.6441A>G, p.Thr2147= (NM_001354899.2); c.6402A>G, p.Thr2134= (NM_001354900.2); and 6 more.
Identifiers: ClinVar variation 132737 (VCV000132737.68), dbSNP rs200151646, ClinGen allele CA012255.
Genomic context (GRCh38, chr5:112,842,119, plus strand): 5'-AGAAAAACCCTTTACAAGTAATAAAGGCCCACGAATTCTAAAACCAGGGGAGAAAAGTAC[A>G]TTGGAAACTAAAAAGATAGAATCTGAAAGTAAAGGAATCAAAGGAGGAAAAAAAGTTTAT-3'
Protein context (NP_000029.2, residues 2165-2185): PRILKPGEKS[Thr2175=]LETKKIESES

ClinVar aggregate classification (germline): Conflicting classifications of pathogenicity. Review status: criteria provided, conflicting classifications (1 of 4 stars). 14 submissions from 14 submitters: Uncertain significance (3); Benign (4); Likely benign (6). 1 of the submissions does not count toward it. Last evaluated 2026-02-01.

Conditions:
Classic or attenuated familial adenomatous polyposis. Identifiers: MedGen CN372698, MONDO:0021057.
APC-related disorder. Also called: APC-related condition.
APC-Associated Polyposis Disorders.
Hereditary cancer-predisposing syndrome. Also called: Tumor predisposition; Hereditary neoplastic syndrome; Neoplastic Syndromes, Hereditary; Hereditary Cancer Syndrome. Identifiers: Orphanet 140162, MedGen C0027672, MeSH D009386, MONDO:0015356.
Familial adenomatous polyposis 1 (FAP1). Also called: FAMILIAL ADENOMATOUS POLYPOSIS 1, ATTENUATED; POLYPOSIS, ADENOMATOUS INTESTINAL. Identifiers: MedGen C2713442, MONDO:0021056, OMIM 175100. Disease mechanism: loss of function.

Allele frequency attached by ClinVar (database versions not stated): ExAC 0.00008; gnomAD 0.00009; TOPMed 0.00009; gnomAD exomes 0.00011 and 0.00026; 1000 Genomes Project 30x 0.00016; 1000 Genomes Project 0.00020.
gnomAD v4.1: 382 of 1,611,204 alleles (0.024%); highest among the groups gnomAD compares: Non-Finnish European, 0.031%; no homozygotes.

Submissions (14):

Labcorp Genetics (formerly Invitae), Labcorp
Classification: Benign for Familial adenomatous polyposis 1. Last evaluated: 2026-02-01. Review status: criteria provided, single submitter. Criteria: Invitae Variant Classification Sherloc (09022015). Collection method: clinical testing. Allele origin: germline.

Quest Diagnostics Nichols Institute San Juan Capistrano
Classification: Benign. Last evaluated: 2025-07-04. Review status: criteria provided, single submitter. Criteria: Quest Diagnostics criteria. Collection method: clinical testing. Allele origin: unknown.

Center for Genomic Medicine, Rigshospitalet, Copenhagen University Hospital
Classification: Likely benign. Last evaluated: 2025-03-04. Review status: criteria provided, single submitter. Criteria: ACMG Guidelines, 2015. Collection method: clinical testing. Allele origin: germline.

CeGaT Center for Human Genetics Tuebingen
Classification: Likely benign. Last evaluated: 2025-03-01. Review status: criteria provided, single submitter. Criteria: CeGaT Center For Human Genetics Tuebingen Variant Classification Criteria Version 2. Collection method: clinical testing. Allele origin: germline. Affected: yes. Observed: 4 variant alleles.
Comment: APC: BP4, BP7

Myriad Genetics, Inc.
Classification: Benign for Familial adenomatous polyposis 1. Last evaluated: 2024-04-05. Review status: criteria provided, single submitter. Criteria: Myriad Autosomal Dominant, Autosomal Recessive and X-Linked Classification Criteria (2023). Collection method: clinical testing. Allele origin: unknown.
Comment: This variant is considered benign. This variant is a silent/synonymous amino acid change and it is not expected to impact splicing.

All of Us Research Program, National Institutes of Health
Classification: Likely benign for Classic or attenuated familial adenomatous polyposis. Last evaluated: 2024-02-05. Review status: criteria provided, single submitter. Criteria: ACMG Guidelines, 2015. Collection method: clinical testing. Allele origin: germline. Inheritance: Autosomal dominant inheritance. Observed: 39 variant alleles, 39 heterozygotes.
Comment: This study involves interpretation of variants in research participants for the purpose of population health screening. Participant phenotype was not available at the time of variant classification. Additional details can be found in publication PMID: 35346344, PMCID: PMC8962531

Sema4
Classification: Uncertain significance for Hereditary cancer-predisposing syndrome. Last evaluated: 2021-12-08. Review status: criteria provided, single submitter. Criteria: Sema4 Curation Guidelines. Collection method: curation. Allele origin: germline.
Comment: The APC c.6525A>G (p.T2175=) variant has been reported in heterozygosity in one individual with colorectal cancer and colon polyposis (PMID: 23709753). It was observed in 28/12830 chromosomes of the Non-Finnish European subpopulation, with no homozygotes, in the large and broad cohorts of the Genome Aggregation Database. The variant has been reported in ClinVar (Variation ID 132737). In silico tools suggest that the variant may create or strengthen a cryptic splice site, though these predictions have not been confirmed by functional studies. The evidence is insufficient to meet ACMG/AMP criteria for classifying the variant as benign or pathogenic. Thus, the clinical significance of this variant is currently uncertain.

GeneDx
Classification: Likely benign. Last evaluated: 2020-09-21. Review status: criteria provided, single submitter. Criteria: GeneDx Variant Classification Process June 2021. Collection method: clinical testing. Allele origin: germline. Affected: yes.
Comment: This variant is associated with the following publications: (PMID: 23709753, 28526081)

Department of Pathology and Laboratory Medicine, Sinai Health System
Classification: Uncertain significance for classic or attenuated familial adenomatous polyposis. Last evaluated: 2019-10-08. Review status: criteria provided, single submitter. Criteria: ACMG Guidelines, 2015. Collection method: clinical testing. Allele origin: germline. Affected: yes.

Illumina Laboratory Services, Illumina
Classification: Uncertain significance for APC-Associated Polyposis Disorders. Last evaluated: 2018-01-13. Review status: criteria provided, single submitter. Criteria: ICSL Variant Classification Criteria 13 December 2019. Collection method: clinical testing. Allele origin: germline.

Women's Health and Genetics/Laboratory Corporation of America, LabCorp
Classification: Benign. Last evaluated: 2017-10-31. Review status: criteria provided, single submitter. Criteria: LabCorp Variant Classification Summary - May 2015. Collection method: clinical testing. Allele origin: germline.
Comment: Variant Summary: The c.6525A>G (p.Thr2175Thr) variant involves the alteration of a non-conserved nucleotide resulting in a synonymous change. 4/5 in silico tools via Alamut predict the strengthening of a cryptic splice donor site as well as minor changes to other binding motifs, however, the significance of these predictions has not been supported with functional studies. The variant was observed in the general population dataset of gnomAD at an allele frequency of 0.00011 (32/275542 chromosomes tested), predominantly observed in the European (Non-Finnish) subpopulation at a frequency of 0.0002 (26/126026 chromosomes). This frequency exceeds the maximal expected allele frequency for a pathogenic variant in APC (0.00007) by 3-folds, strongly supporting that this is a benign polymorphism found primarily in population(s) of European origin. The variant has been reported once in the literature in a CRC patient without strong evidence for or against pathogenicity (Borras_2013). In addition, multiple clinical laboratories/reputable databases have classified the variant as likely benign. Taken together, this variant has been classified as benign.

Color Diagnostics, LLC DBA Color Health
Classification: Likely benign for Hereditary cancer-predisposing syndrome. Last evaluated: 2016-09-28. Review status: criteria provided, single submitter. Criteria: ACMG Guidelines, 2015. Collection method: clinical testing. Allele origin: germline.

Ambry Genetics
Classification: Likely benign for Hereditary cancer-predisposing syndrome. Last evaluated: 2015-01-01. Review status: criteria provided, single submitter. Criteria: Ambry Variant Classification Scheme 2023. Collection method: clinical testing. Allele origin: germline.

PreventionGenetics, part of Exact Sciences
Classification: Likely benign for APC-related condition. Last evaluated: 2020-02-07. Review status: no assertion criteria provided. Collection method: clinical testing. Allele origin: germline. Not counted in ClinVar's aggregate classification.
Comment: This variant is classified as likely benign based on ACMG/AMP sequence variant interpretation guidelines (Richards et al. 2015 PMID: 25741868, with internal and published modifications).

Literature cited by the submitters: PubMed 23709753 (cited by 4 submitters); PubMed 32885271 (cited by Quest Diagnostics Nichols Institute San Juan Capistrano).